The following is an entry in ClinVar:

NM_001386140.1(MTTP):c.807_813del (p.Gly270fs)

Gene: MTTP (microsomal triglyceride transfer protein; plus strand). Cytogenetic location: 4q23.
Variant type: Deletion.
Coding change: c.807_813del on transcript NM_001386140.1 (MANE Select); coding-DNA positions 807 to 813, 7 bases deleted (TGGAAAG; older notation c.807_813delTGGAAAG).
Protein change: p.Gly270fs; shifts the reading frame from glycine 270.
Molecular consequence: frameshift variant.
Genome position (GRCh38, 1-based): chr4:99,594,781-99,594,787, TGGAAAG deleted. VCF-style (leftmost placement, unchanged base first): chr4-99594780-CTGGAAAG-C. GRCh37 (hg19) VCF-style: chr4-100515937-CTGGAAAG-C.
Other names: c.807_813del, p.Gly270fs (NM_000253.4); c.558_564del, p.Gly187fs (NM_001300785.2); short protein forms G187fs, G270fs.
Identifiers: ClinVar variation 1726379 (VCV001726379.2), dbSNP rs2476113390, ClinGen allele CA2580071902.

ClinVar aggregate classification (germline): Likely pathogenic (1 of 4 stars; one submission).

Conditions:
Abetalipoproteinaemia (ABL). Also called: MTP DEFICIENCY; Abetalipoproteinemia; Abetalipoproteinemia neuropathy; Apolipoprotein B deficiency; Congenital betalipoprotein deficiency syndrome. Identifiers: Orphanet 14, MedGen C0000744, MONDO:0008692, OMIM 200100, HP:0008181.

Submission:

Myriad Genetics, Inc.
Classification: Likely pathogenic for Abetalipoproteinaemia. Last evaluated: 2021-12-16. Review status: criteria provided, single submitter. Criteria: Myriad Women's Health Autosomal Recessive and X-Linked Classification Criteria (2021). Collection method: clinical testing. Allele origin: unknown.
Comment: NM_000253.2(MTTP):c.807_813del7(G270Rfs*5) is expected to be pathogenic in the context of abetalipoproteinemia. This variant is predicted to lead to an abnormal or absent protein product due to the creation of a premature termination codon in MTTP, a gene where loss-of-function variants are known to be pathogenic. Please note: this variant was assessed in the context of healthy population screening.